The following is an entry in ClinVar:

ClinVar aggregate classification (germline): Likely benign (1 of 4 stars; one submission).

Submission:

CeGaT Center for Human Genetics Tuebingen
Classification: Likely benign. Last evaluated: 2026-03-01. Review status: criteria provided, single submitter. Criteria: CeGaT Center For Human Genetics Tuebingen Variant Classification Criteria Version 2. Collection method: clinical testing. Allele origin: germline. Affected: yes. Observed: 4 variant alleles.
Comment: BRAF: BS1

NM_004333.6(BRAF):c.1140+804_1140+805insTA

Gene: BRAF (B-Raf proto-oncogene, serine/threonine kinase; minus strand). Cytogenetic location: 7q34.
Variant type: Insertion.
Coding change: c.1140+804_1140+805insTA on transcript NM_004333.6 (MANE Select); bases 804 to 805 of the intron after coding-DNA position 1140, TA inserted.
Molecular consequence: intron variant.
Genome position: GRCh38 VCF-style: chr7-140793503-A-AAT. GRCh37 (hg19) VCF-style: chr7-140493303-A-AAT.
Other names: c.1140+804_1140+805insTA (NM_001378474.1, NM_001378471.1, NM_001378468.1 and 4 more transcripts); c.1038+804_1038+805insTA (NM_001378470.1); c.876+804_876+805insTA (NM_001378475.1); c.1149+804_1149+805insTA (NM_001378467.1); c.984+804_984+805insTA (NM_001378472.1, NM_001378473.1).
Identifiers: ClinVar variation 2658067 (VCV002658067.24), dbSNP rs1491144641, ClinGen allele CA578391554.